The following is an entry in ClinVar:

ClinVar aggregate classification (germline): Uncertain significance (1 of 4 stars; one submission).

gnomAD v4.1: 2 of 1,614,188 alleles (0.00012%); highest among the groups gnomAD compares: Admixed American, 0.0033%; no homozygotes.

Submission:

Labcorp Genetics (formerly Invitae), Labcorp
Classification: Uncertain significance. Last evaluated: 2024-03-19. Review status: criteria provided, single submitter. Criteria: Invitae Variant Classification Sherloc (09022015). Collection method: clinical testing. Allele origin: germline.
Comment: This sequence change replaces glutamic acid, which is acidic and polar, with lysine, which is basic and polar, at codon 13 of the SLC22A4 protein (p.Glu13Lys). This variant is present in population databases (rs780840704, gnomAD 0.006%). This variant has not been reported in the literature in individuals affected with SLC22A4-related conditions. Advanced modeling of protein sequence and biophysical properties (such as structural, functional, and spatial information, amino acid conservation, physicochemical variation, residue mobility, and thermodynamic stability) performed at Invitae indicates that this missense variant is not expected to disrupt SLC22A4 protein function with a negative predictive value of 80%. In summary, the available evidence is currently insufficient to determine the role of this variant in disease. Therefore, it has been classified as a Variant of Uncertain Significance.

NM_003059.3(SLC22A4):c.37G>A (p.Glu13Lys)

Gene: SLC22A4 (solute carrier family 22 member 4; plus strand). Cytogenetic location: 5q31.1.
Variant type: single nucleotide variant.
Coding change: c.37G>A on transcript NM_003059.3 (MANE Select); coding-DNA position 37, G replaced by A.
Protein change: p.Glu13Lys; replaces glutamic acid 13 with lysine.
Molecular consequence: missense variant.
Genome position (GRCh38, 1-based): chr5:132,294,653, G>A. VCF-style: chr5-132294653-G-A. GRCh37 (hg19) VCF-style: chr5-131630346-G-A.
Other names: short protein forms E13K.
Identifiers: ClinVar variation 3688116 (VCV003688116.2).